The following is an entry in ClinVar:

NM_032608.7(MYO18B):c.3314C>T (p.Ala1105Val)

Gene: MYO18B (myosin XVIIIB; plus strand). Cytogenetic location: 22q12.1.
Variant type: single nucleotide variant.
Coding change: c.3314C>T on transcript NM_032608.7 (MANE Select); coding-DNA position 3314, C replaced by T.
Protein change: p.Ala1105Val; replaces alanine 1105 with valine.
Molecular consequence: missense variant.
Genome position (GRCh38, 1-based): chr22:25,843,840, C>T. VCF-style: chr22-25843840-C-T. GRCh37 (hg19) VCF-style: chr22-26239807-C-T.
Other names: c.3317C>T, p.Ala1106Val (NM_001318245.2); short protein forms A1105V, A1106V.
Identifiers: ClinVar variation 1714388 (VCV001714388.5), dbSNP rs2517570631, ClinGen allele CA410998014.
Genomic context (GRCh38, chr22:25,843,840, plus strand): 5'-TTTTCCACCAGTTGGGATGGGACCCTGTGCGGTACGACCTCACGGGCTGGCTCCACAGAG[C>T]CAAGCCCAACCTCTCGGCCCTGGATGCACCCCAGGTCCTGCACCAGTCAAAAAGGTGAGT-3'
Protein context (NP_115997.5, residues 1095-1115): RYDLTGWLHR[Ala1105Val]KPNLSALDAP

ClinVar aggregate classification (germline): Uncertain significance (1 of 4 stars; one submission).

Submission:

Labcorp Genetics (formerly Invitae), Labcorp
Classification: Uncertain significance. Last evaluated: 2022-07-30. Review status: criteria provided, single submitter. Criteria: Invitae Variant Classification Sherloc (09022015). Collection method: clinical testing. Allele origin: germline.
Comment: Algorithms developed to predict the effect of missense changes on protein structure and function are either unavailable or do not agree on the potential impact of this missense change (SIFT: "Not Available"; PolyPhen-2: "Probably Damaging"; Align-GVGD: "Not Available"). In summary, the available evidence is currently insufficient to determine the role of this variant in disease. Therefore, it has been classified as a Variant of Uncertain Significance. This variant has not been reported in the literature in individuals affected with MYO18B-related conditions. This variant is not present in population databases (gnomAD no frequency). This sequence change replaces alanine, which is neutral and non-polar, with valine, which is neutral and non-polar, at codon 1105 of the MYO18B protein (p.Ala1105Val).